The following is an entry in ClinVar:

NM_006277.3(ITSN2):c.5034C>T (p.Pro1678=)

Gene: ITSN2 (intersectin 2; minus strand). Cytogenetic location: 2p23.3.
Variant type: single nucleotide variant.
Coding change: c.5034C>T on transcript NM_006277.3 (MANE Select); coding-DNA position 5034, C replaced by T.
Protein change: p.Pro1678=; no amino-acid change (proline 1678 retained).
Molecular consequence: synonymous variant.
Genome position (GRCh38, 1-based): chr2:24,203,686, G>A on the plus strand (C>T on the coding strand, the complement: ITSN2 is on the minus strand). VCF-style: chr2-24203686-G-A. GRCh37 (hg19) VCF-style: chr2-24426555-G-A.
Other names: c.4992C>T, p.Pro1664= (NM_001348181.2); c.4914C>T, p.Pro1638= (NM_001348182.2); c.4953C>T, p.Pro1651= (NM_019595.4).
Identifiers: ClinVar variation 3036926 (VCV003036926.2), dbSNP rs149080724, ClinGen allele CA1550323.

ClinVar aggregate classification (germline): Likely benign (0 of 4 stars; one submission).

Conditions:
ITSN2-related disorder. Also called: ITSN2-related condition.

Allele frequency attached by ClinVar (database versions not stated): ExAC 0.00010; gnomAD 0.00026; TOPMed 0.00037; ESP Exome Variant Server 0.00046; 1000 Genomes Project 0.00080; 1000 Genomes Project 30x 0.00094.
gnomAD v4.1: 101 of 1,614,180 alleles (0.0063%); highest among the groups gnomAD compares: African/African-American, 0.11%; no homozygotes.

Submission:

PreventionGenetics, part of Exact Sciences
Classification: Likely benign for ITSN2-related condition. Last evaluated: 2023-08-23. Review status: no assertion criteria provided. Collection method: clinical testing. Allele origin: germline.
Comment: This variant is classified as likely benign based on ACMG/AMP sequence variant interpretation guidelines (Richards et al. 2015 PMID: 25741868, with internal and published modifications).